The following is an entry in ClinVar:

ClinVar aggregate classification (germline): Pathogenic (1 of 4 stars; one submission).

Conditions:
Rare genetic deafness. Identifiers: Orphanet 96210, MedGen C5680250.

Submission:

Laboratory for Molecular Medicine, Mass General Brigham Personalized Medicine
Classification: Pathogenic for Rare genetic deafness. Last evaluated: 2017-04-07. Review status: criteria provided, single submitter. Criteria: LMM Criteria. Collection method: clinical testing. Allele origin: germline. Inheritance: Autosomal recessive inheritance. Observed: 4 variant alleles.
Comment: A deletion of the OTOA gene has been reported in 4 Palestinian siblings with hea ring loss, all of whom were homozygous for the deletion (Shahin 2010). Unaffecte d family members, including parents and one sibling, were heterozygous for this deletion. This variant was also reported in this study in 0.5% (3/576) of contro l chromosomes suggesting that there may be a high carrier frequency of the varia nt in the Palestinian population (Shahin 2010). In summary, this variant meets o ur criteria to be classified as pathogenic for autosomal recessive hearing loss. The exact breakpoints of this deletion cannot be determined and follow-up testi ng by chromosomal microarray may be able to assess the involvement of neighborin g genes.

Literature cited by the submitters: PubMed 19888295.

NC_000016.10:g.(?_21678469)_(21736448_?)del

Genes: OTOA (otoancorin), LOC130058627 (ATAC-STARR-seq lymphoblastoid active region 10560). Cytogenetic location: 16p12.2.
Variant type: Deletion.
Identifiers: ClinVar variation 505764 (VCV000505764.5).